The following is an entry in ClinVar:

NM_000484.4(APP):c.1587+6C>T

Genes: APP (amyloid beta precursor protein; minus strand), LOC126653330 (CDK7 strongly-dependent group 2 enhancer GRCh37_chr21:27326978-27328177; plus strand). Cytogenetic location: 21q21.3.
Variant type: single nucleotide variant.
Coding change: c.1587+6C>T on transcript NM_000484.4 (MANE Select); 6 bases into the intron after coding-DNA position 1587, C replaced by T.
Molecular consequence: intron variant.
Genome position (GRCh38, 1-based): chr21:25,955,621, G>A on the plus strand (C>T on the coding strand, the complement: APP is on the minus strand). VCF-style: chr21-25955621-G-A. GRCh37 (hg19) VCF-style: chr21-27327935-G-A.
Other names: c.1587+6C>T (NM_000484.3, NM_001204301.2); c.1257+6C>T (NM_001136131.3); c.1194+6C>T (NM_001136129.3); c.1419+6C>T (NM_001136130.3, NM_001385253.1); c.1362+6C>T (NM_001204303.2, NM_201414.3); c.1530+6C>T (NM_001204302.2, NM_201413.3); c.1515+6C>T (NM_001136016.3).
Identifiers: ClinVar variation 2914083 (VCV002914083.5), dbSNP rs758516154, ClinGen allele CA9987275.
Genomic context (GRCh38, chr21:25,955,621, plus strand): 5'-ACCAACCCAAGAAGCAAGAATCCTGGATTGTCAAAGCTGCAGAAGATGATTATACCCCAC[G>A]CTTACCTGGGACCGGATCTGAGCGGCTTTCTTGGGATCCACCATGCGCACATGCTCGAAA-3'

ClinVar aggregate classification (germline): Uncertain significance. Review status: criteria provided, single submitter (1 of 4 stars). 2 submissions from 2 submitters: Uncertain significance (1). 1 of the submissions does not count toward it. Last evaluated 2022-11-03.

Conditions:
Alzheimer disease. Also called: Presenile and senile dementia; Alzheimer's disease. Identifiers: Orphanet 1020, MedGen C0002395, MeSH D000544, MONDO:0004975, HP:0002511.
APP-related disorder. Also called: APP-related condition.

Allele frequency attached by ClinVar (database versions not stated): TOPMed below 0.00001; gnomAD exomes 0.00001; ExAC 0.00002.
gnomAD v4.1: 16 of 1,614,044 alleles (0.00099%); highest among the groups gnomAD compares: African/African-American, 0.0013%; no homozygotes.

Submissions (2):

Labcorp Genetics (formerly Invitae), Labcorp
Classification: Uncertain significance for Alzheimer disease. Last evaluated: 2022-11-03. Review status: criteria provided, single submitter. Criteria: Invitae Variant Classification Sherloc (09022015). Collection method: clinical testing. Allele origin: germline.
Comment: In summary, the available evidence is currently insufficient to determine the role of this variant in disease. Therefore, it has been classified as a Variant of Uncertain Significance. Variants that disrupt the consensus splice site are a relatively common cause of aberrant splicing (PMID: 17576681, 9536098). Algorithms developed to predict the effect of sequence changes on RNA splicing suggest that this variant is not likely to affect RNA splicing. This variant has not been reported in the literature in individuals affected with APP-related conditions. This variant is present in population databases (rs758516154, gnomAD 0.002%). This sequence change falls in intron 12 of the APP gene. It does not directly change the encoded amino acid sequence of the APP protein. It affects a nucleotide within the consensus splice site.

PreventionGenetics, part of Exact Sciences
Classification: Likely benign for APP-related condition. Last evaluated: 2021-07-20. Review status: no assertion criteria provided. Collection method: clinical testing. Allele origin: germline. Not counted in ClinVar's aggregate classification.
Comment: This variant is classified as likely benign based on ACMG/AMP sequence variant interpretation guidelines (Richards et al. 2015 PMID: 25741868, with internal and published modifications).

Literature cited by the submitters: PubMed 17576681 (cited by Labcorp Genetics (formerly Invitae), Labcorp); PubMed 9536098 (cited by Labcorp Genetics (formerly Invitae), Labcorp).